The following is an entry in ClinVar:

ClinVar aggregate classification (germline): Uncertain significance (1 of 4 stars; one submission).

Submission:

Labcorp Genetics (formerly Invitae), Labcorp
Classification: Uncertain significance. Last evaluated: 2022-11-16. Review status: criteria provided, single submitter. Criteria: Invitae Variant Classification Sherloc (09022015). Collection method: clinical testing. Allele origin: germline.
Comment: This sequence change creates a premature translational stop signal (p.Glu728*) in the TOP2B gene. It is expected to result in an absent or disrupted protein product. However, the current clinical and genetic evidence is not sufficient to establish whether loss-of-function variants in TOP2B cause disease. This variant is not present in population databases (gnomAD no frequency). This variant has not been reported in the literature in individuals affected with TOP2B-related conditions. In summary, the available evidence is currently insufficient to determine the role of this variant in disease. Therefore, it has been classified as a Variant of Uncertain Significance.

NM_001330700.2(TOP2B):c.2197G>T (p.Glu733Ter)

Gene: TOP2B (DNA topoisomerase II beta; minus strand). Cytogenetic location: 3p24.2.
Variant type: single nucleotide variant.
Coding change: c.2197G>T on transcript NM_001330700.2 (MANE Select); coding-DNA position 2197, G replaced by T.
Protein change: p.Glu733Ter; replaces glutamic acid 733 with a stop codon.
Molecular consequence: nonsense.
Genome position (GRCh38, 1-based): chr3:25,626,587, C>A on the plus strand (G>T on the coding strand, the complement: TOP2B is on the minus strand). VCF-style: chr3-25626587-C-A. GRCh37 (hg19) VCF-style: chr3-25668078-C-A.
Other names: c.2182G>T, p.Glu728Ter (NM_001068.3); short protein forms E728*, E733*.
Identifiers: ClinVar variation 2029227 (VCV002029227.4), dbSNP rs2470343632, ClinGen allele CA351905045.